The following is an entry in ClinVar:

ClinVar aggregate classification (germline): Pathogenic (1 of 4 stars; one submission).

Conditions:
HNF1B-related disorder. Also called: HNF1B-related disorders; HNF1B-related condition.

Submission:

Daryl Scott Lab, Baylor College of Medicine
Classification: Pathogenic for HNF1B-related disorder. Last evaluated: 2024-01-01. Review status: criteria provided, single submitter. Criteria: ACMG Guidelines, 2015. Collection method: clinical testing. Allele origin: de novo. Affected: yes. Observed: 1 heterozygote.
Comment: PVS1, PS2, PM2

NM_000458.4(HNF1B):c.1168dup (p.Asp390fs)

Gene: HNF1B (HNF1 homeobox B; minus strand). Cytogenetic location: 17q12.
Variant type: Duplication.
Coding change: c.1168dup on transcript NM_000458.4 (MANE Select); coding-DNA position 1168, one base duplicated (G; older notation c.1168dupG).
Protein change: p.Asp390fs; shifts the reading frame from aspartic acid 390.
Molecular consequence: frameshift variant.
Genome position (GRCh38, 1-based): chr17:37,710,541, C duplicated on the plus strand (G on the coding strand, the reverse complement: HNF1B is on the minus strand); the first of 2 consecutive C bases (chr17:37,710,541-37,710,542); duplicating either gives the same sequence. VCF-style (leftmost placement, unchanged base first): chr17-37710540-T-TC. GRCh37 (hg19) VCF-style: chr17-36070548-T-TC.
Other names: c.1090dup, p.Asp364fs (NM_001165923.4, NM_001304286.2); c.1168dup, p.Asp390fs (NM_001411100.1); c.1168dupG (NM_000458.4); short protein forms D364fs, D390fs.
Identifiers: ClinVar variation 3764553 (VCV003764553.1).